The following is an entry in ClinVar:

NM_003640.5(ELP1):c.3460+4_3460+11dup

Gene: ELP1 (elongator acetyltransferase complex subunit 1; minus strand). Cytogenetic location: 9q31.3.
Variant type: Duplication.
Coding change: c.3460+4_3460+11dup on transcript NM_003640.5 (MANE Select); bases 4 to 11 of the intron after coding-DNA position 3460, 8 bases duplicated (AGTATCTG; older notation c.3460+4_3460+11dupAGTATCTG).
Molecular consequence: splice donor variant.
Genome position (GRCh38, 1-based): chr9:108,880,041-108,880,048, CAGATACT duplicated on the plus strand (AGTATCTG on the coding strand, the reverse complement: ELP1 is on the minus strand); duplicating any 8 consecutive bases within chr9:108,880,041-108,880,050 gives the same sequence; the c. name uses the placement nearest the transcript's 3' end. VCF-style (leftmost placement, unchanged base first): chr9-108880040-G-GCAGATACT. GRCh37 (hg19) VCF-style: chr9-111642320-G-GCAGATACT.
Other names: c.3118+4_3118+11dup (NM_001318360.2); c.2413+4_2413+11dup (NM_001330749.2).
Identifiers: ClinVar variation 1800045 (VCV001800045.5), dbSNP rs1564072453, ClinGen allele CA589604545.

ClinVar aggregate classification (germline): Conflicting classifications of pathogenicity. Review status: criteria provided, conflicting classifications (1 of 4 stars). 2 submissions from 2 submitters: Uncertain significance (1); Likely benign (1). Last evaluated 2023-06-29.

Submissions (2):

Labcorp Genetics (formerly Invitae), Labcorp
Classification: Likely benign. Last evaluated: 2023-06-29. Review status: criteria provided, single submitter. Criteria: Invitae Variant Classification Sherloc (09022015). Collection method: clinical testing. Allele origin: germline.

Ambry Genetics
Classification: Uncertain significance. Last evaluated: 2022-05-11. Review status: criteria provided, single submitter. Criteria: Ambry Variant Classification Scheme 2023. Collection method: clinical testing. Allele origin: germline.
Comment: The c.3460+4_3460+11dupAGTATCTG intronic variant, results from a duplication of 16 nucleotides at nucleotide position 3460 after intron 31 of the IKBKAP gene. This nucleotide region is not well conserved in available vertebrate species. In silico splice site analysis predicts that this alteration will not have any significant effect on splicing. Since supporting evidence is limited at this time, the clinical significance of this alteration remains unclear.